The following is an entry in ClinVar:

NM_001903.5(CTNNA1):c.469-5TA[3]

Gene: CTNNA1 (catenin alpha 1; plus strand). Cytogenetic location: 5q31.2.
Variant type: Microsatellite.
Coding change: c.469-5TA[3] on transcript NM_001903.5 (MANE Select); three copies in a row of the 2-base unit TA starting at c.469-5; the reference has two copies in a row; one copy, 2 bases duplicated.
Molecular consequence: splice acceptor variant.
Genome position (GRCh38, 1-based): chr5:138,812,180-138,812,181, TA duplicated; duplicating any 2 consecutive bases within chr5:138,812,178-138,812,181 gives the same sequence; the position shown is the placement nearest the transcript's 3' end. VCF-style (leftmost placement, unchanged base first): chr5-138812177-T-TTA. GRCh37 (hg19) VCF-style: chr5-138147866-T-TTA.
Other names: c.469-3_469-2dupTA (NM_001903.3, NM_001903.4); c.469-5TA[3] (NM_001323982.2, NM_001323984.2, NM_001290307.3 and 3 more transcripts); c.100-5TA[3] (NM_001290310.3); c.160-5TA[3] (NM_001290309.3).
Identifiers: ClinVar variation 644044 (VCV000644044.10), dbSNP rs1283433441, ClinGen allele CA446591346.
Genomic context (GRCh38, chr5:138,812,177, plus strand): 5'-GATGCCATCTTCTTTACAGACCTACATTCAGAATTTTTGGGTTTTGGGGTCTTTCTTATT[T>TTA]TATAGGTGGAAGATGGTATCTTGAAGTTGAGGAATGCTGGCAATGAACAAGACTTAGGAA-3'

ClinVar aggregate classification (germline): Conflicting classifications of pathogenicity. Review status: criteria provided, conflicting classifications (1 of 4 stars). 3 submissions from 3 submitters: Uncertain significance (1); Likely benign (2). Last evaluated 2025-07-11.

Conditions:
Patterned macular dystrophy 2. Identifiers: Orphanet 99001, MedGen C1837029, MONDO:0012162, OMIM 608970.
CTNNA1-related disorder. Also called: CTNNA1-related condition.

Submissions (3):

ARUP Laboratories, Molecular Genetics and Genomics, ARUP Laboratories
Classification: Uncertain significance for Patterned macular dystrophy 2. Last evaluated: 2025-07-11. Review status: criteria provided, single submitter. Criteria: ARUP Molecular Germline Variant Investigation Process 2024. Collection method: clinical testing. Allele origin: germline.
Comment: The CTNNA1 c.469-3_469-2dup variant (rs1283433441), to our knowledge, is not reported in the medical literature but is reported in ClinVar (Variation ID: 644044). This variant is only observed on one allele in the Genome Aggregation Database (v2.1.1), indicating it is not a common polymorphism. This is an intronic variant and computational analyses (Alamut Visual Plus v.1.12) predict that this variant does not alter splicing. However, since this variant is located within the minimal splice region, the clinical significance of this variant is uncertain at this time.

PreventionGenetics, part of Exact Sciences
Classification: Likely benign for CTNNA1-related condition. Last evaluated: 2025-07-08. Review status: criteria provided, single submitter. Criteria: ACMG Guidelines, 2015. Collection method: clinical testing. Allele origin: germline.
Comment: This variant is classified as likely benign based on ACMG/AMP sequence variant interpretation guidelines (Richards et al. 2015 PMID: 25741868, with internal and published modifications).

Labcorp Genetics (formerly Invitae), Labcorp
Classification: Likely benign. Last evaluated: 2025-06-13. Review status: criteria provided, single submitter. Criteria: Invitae Variant Classification Sherloc (09022015). Collection method: clinical testing. Allele origin: germline.